The following is an entry in ClinVar:

ClinVar aggregate classification (germline): Uncertain significance (1 of 4 stars; one submission).

Allele frequency attached by ClinVar (database versions not stated): gnomAD exomes below 0.00001.
gnomAD v4.1: 2 of 1,608,550 alleles (0.00012%); highest among the groups gnomAD compares: Non-Finnish European, 0.00017%; no homozygotes.

Submission:

Labcorp Genetics (formerly Invitae), Labcorp
Classification: Uncertain significance. Last evaluated: 2023-11-27. Review status: criteria provided, single submitter. Criteria: Invitae Variant Classification Sherloc (09022015). Collection method: clinical testing. Allele origin: germline.
Comment: This sequence change falls in intron 11 of the OPA1 gene. It does not directly change the encoded amino acid sequence of the OPA1 protein. It affects a nucleotide within the consensus splice site. This variant is not present in population databases (gnomAD no frequency). This variant has not been reported in the literature in individuals affected with OPA1-related conditions. ClinVar contains an entry for this variant (Variation ID: 2107132). Variants that disrupt the consensus splice site are a relatively common cause of aberrant splicing (PMID: 17576681, 9536098). Algorithms developed to predict the effect of sequence changes on RNA splicing suggest that this variant is not likely to affect RNA splicing. In summary, the available evidence is currently insufficient to determine the role of this variant in disease. Therefore, it has been classified as a Variant of Uncertain Significance.

Literature cited by the submitters: PubMed 17576681; PubMed 9536098.

NM_130837.3(OPA1):c.1305+3A>G

Gene: OPA1 (OPA1 mitochondrial dynamin like GTPase; plus strand). Cytogenetic location: 3q29.
Variant type: single nucleotide variant.
Coding change: c.1305+3A>G on transcript NM_130837.3 (MANE Select); 3 bases into the intron after coding-DNA position 1305, A replaced by G.
Molecular consequence: intron variant.
Genome position (GRCh38, 1-based): chr3:193,643,052, A>G. VCF-style: chr3-193643052-A-G. GRCh37 (hg19) VCF-style: chr3-193360841-A-G.
Other names: c.768+3A>G (NM_001354664.2); c.771+3A>G (NM_001354663.2); c.1194+3A>G (NM_130834.3); c.1251+3A>G (NM_130836.3); c.1140+3A>G (NM_015560.3); c.1197+3A>G (NM_130835.3); c.1086+3A>G (NM_130832.3); c.1143+3A>G (NM_130833.3); and 1 more.
Identifiers: ClinVar variation 2107132 (VCV002107132.4), dbSNP rs1734018739, ClinGen allele CA1430244148.
Genomic context (GRCh38, chr3:193,643,052, plus strand): 5'-TGAAATAGAACTTCGAATGAGGAAAAATGTGAAAGAAGGCTGTACCGTTAGCCCTGAGGT[A>G]AGGGTTGCAATTCATTTCAGTGACGTTTTATGGAAATTAAATGTTTATGATTTCAAATAA-3'